The following is an entry in ClinVar:

ClinVar aggregate classification (germline): Pathogenic (1 of 4 stars; one submission).

Submission:

Labcorp Genetics (formerly Invitae), Labcorp
Classification: Pathogenic. Last evaluated: 2024-04-17. Review status: criteria provided, single submitter. Criteria: Invitae Variant Classification Sherloc (09022015). Collection method: clinical testing. Allele origin: germline.
Comment: This sequence change creates a premature translational stop signal (p.Trp1465*) in the PRPF8 gene. It is expected to result in an absent or disrupted protein product. Loss-of-function variants in PRPF8 are known to be pathogenic (PMID: 27208204, 31054281, 33946315). This variant is not present in population databases (gnomAD no frequency). This variant has not been reported in the literature in individuals affected with PRPF8-related conditions. ClinVar contains an entry for this variant (Variation ID: 943735). For these reasons, this variant has been classified as Pathogenic.

Literature cited by the submitters: PubMed 27208204; PubMed 31054281; PubMed 33946315.

NM_006445.4(PRPF8):c.4394G>A (p.Trp1465Ter)

Gene: PRPF8 (pre-mRNA processing factor 8; minus strand). Cytogenetic location: 17p13.3.
Variant type: single nucleotide variant.
Coding change: c.4394G>A on transcript NM_006445.4 (MANE Select); coding-DNA position 4394, G replaced by A.
Protein change: p.Trp1465Ter; replaces tryptophan 1465 with a stop codon.
Molecular consequence: nonsense.
Genome position (GRCh38, 1-based): chr17:1,661,107, C>T on the plus strand (G>A on the coding strand, the complement: PRPF8 is on the minus strand). VCF-style: chr17-1661107-C-T. GRCh37 (hg19) VCF-style: chr17-1564401-C-T.
Other names: short protein forms W1465*.
Identifiers: ClinVar variation 943735 (VCV000943735.7), dbSNP rs1911659345, ClinGen allele CA397576646.
Genomic context (GRCh38, chr17:1,661,107, plus strand): 5'-AGAATGCCTTCCACACCGCCCAGGGCCTGGATCATGTCTGTACGGTAGTTGTTCAGGTTC[C>T]AGAGCTTCCCATCATGCCGCTGGTGTGTCCACCAGAACGGATTCTGCTTCAAAACCTAGA-3'